The following is an entry in ClinVar:

NM_000540.3(RYR1):c.11852C>T (p.Ser3951Phe)

Gene: RYR1 (ryanodine receptor 1; plus strand). Cytogenetic location: 19q13.2.
Variant type: single nucleotide variant.
Coding change: c.11852C>T on transcript NM_000540.3 (MANE Select); coding-DNA position 11852, C replaced by T.
Protein change: p.Ser3951Phe; replaces serine 3951 with phenylalanine.
Molecular consequence: missense variant.
Genome position (GRCh38, 1-based): chr19:38,543,605, C>T. VCF-style: chr19-38543605-C-T. GRCh37 (hg19) VCF-style: chr19-39034245-C-T.
Other names: c.11837C>T, p.Ser3946Phe (NM_001042723.2); short protein forms S3946F, S3951F.
Identifiers: ClinVar variation 3385567 (VCV003385567.1).
Genomic context (GRCh38, chr19:38,543,605, plus strand): 5'-ACTTCTACTGGTACTACTCGGGCAAGGATGTCATTGAAGAGCAGGGCAAGAGGAACTTCT[C>T]CAAAGCCATGTCGGTGGCTAAGCAGGTGTTCAACAGCCTCACTGAGTACATCCAGGTAGG-3'
Protein context (NP_000531.2, residues 3941-3961): VIEEQGKRNF[Ser3951Phe]KAMSVAKQVF

ClinVar aggregate classification (germline): Uncertain significance (1 of 4 stars; one submission).

Conditions:
Malignant hyperthermia, susceptibility to, 1 (MHS1). Also called: Anesthesia related hyperthermia; Malignant hyperpyrexia; Fulminating hyperpyrexia; Pharmacogenic myopathy; Malignant hyperthermia suceptibility 1; RYR1-Related Malignant Hyperthermia Susceptibility. Identifiers: Orphanet 423, MedGen C2930980, MONDO:0007783, OMIM 145600.

Submission:

All of Us Research Program, National Institutes of Health
Classification: Uncertain significance for Malignant hyperthermia, susceptibility to, 1. Last evaluated: 2024-04-25. Review status: criteria provided, single submitter. Criteria: ACMG Guidelines, 2015. Collection method: clinical testing. Allele origin: germline. Inheritance: Autosomal dominant inheritance. Observed: 1 variant allele, 1 heterozygote.
Comment: This missense variant replaces serine with phenylalanine at codon 3951 of the RYR1 protein. Computational prediction suggests that this variant may have deleterious impact on protein structure and function. To our knowledge, functional studies have not been reported for this variant. This variant has not been reported in individuals affected with RYR1-related disorders in the literature. This variant has not been identified in the general population by the Genome Aggregation Database (gnomAD). The available evidence is insufficient to determine the role of this variant in disease conclusively. Therefore, this variant is classified as a Variant of Uncertain Significance.

This study involves interpretation of variants in research participants for the purpose of population health screening. Participant phenotype was not available at the time of variant classification. Additional details can be found in publication PMID: 35346344, PMCID: PMC8962531